The following is an entry in ClinVar:

ClinVar aggregate classification (germline): Likely benign. Review status: criteria provided, multiple submitters, no conflicts (2 of 4 stars). 3 submissions from 3 submitters: Likely benign (3). Last evaluated 2026-01-17.

Conditions:
Severe early-onset pulmonary alveolar proteinosis due to MARS deficiency. Also called: PULMONARY ALVEOLAR PROTEINOSIS, REUNION ISLAND; Interstitial lung and liver disease. Identifiers: Orphanet 440427, MedGen C4225400, MONDO:0014206, OMIM 615486.
Charcot-Marie-Tooth disease axonal type 2U. Also called: CHARCOT-MARIE-TOOTH NEUROPATHY, TYPE 2U; CHARCOT-MARIE-TOOTH DISEASE, AXONAL, AUTOSOMAL DOMINANT, TYPE 2U. Identifiers: Orphanet 397735, MedGen C4084821, MONDO:0014566, OMIM 616280.
MARS1-related disorder. Also called: MARS1-related condition.

Allele frequency attached by ClinVar (database versions not stated): ExAC 0.00005; gnomAD 0.00010 and 0.00011; gnomAD exomes 0.00012; ESP Exome Variant Server 0.00023.
gnomAD v4.1: 265 of 1,582,850 alleles (0.017%); highest among the groups gnomAD compares: Non-Finnish European, 0.02%; no homozygotes.

Submissions (3):

PreventionGenetics, part of Exact Sciences
Classification: Likely benign for MARS1-related condition. Last evaluated: 2026-01-17. Review status: criteria provided, single submitter. Criteria: ACMG Guidelines, 2015. Collection method: clinical testing. Allele origin: germline.
Comment: This variant is classified as likely benign based on ACMG/AMP sequence variant interpretation guidelines (Richards et al. 2015 PMID: 25741868, with internal and published modifications).

Labcorp Genetics (formerly Invitae), Labcorp
Classification: Likely benign for Charcot-Marie-Tooth disease axonal type 2U; Severe early-onset pulmonary alveolar proteinosis due to MARS deficiency. Last evaluated: 2026-01-10. Review status: criteria provided, single submitter. Criteria: Invitae Variant Classification Sherloc (09022015). Collection method: clinical testing. Allele origin: germline.

GeneDx
Classification: Likely benign. Last evaluated: 2017-03-29. Review status: criteria provided, single submitter. Criteria: GeneDx Variant Classification (06012015). Collection method: clinical testing. Allele origin: germline. Affected: yes.
Comment: This variant is considered likely benign or benign based on one or more of the following criteria: it is a conservative change, it occurs at a poorly conserved position in the protein, it is predicted to be benign by multiple in silico algorithms, and/or has population frequency not consistent with disease.

NM_004990.4(MARS1):c.110-10C>T

Gene: MARS1 (methionyl-tRNA synthetase 1; plus strand). Cytogenetic location: 12q13.3.
Variant type: single nucleotide variant.
Coding change: c.110-10C>T on transcript NM_004990.4 (MANE Select); 10 bases into the intron before coding-DNA position 110, C replaced by T.
Molecular consequence: intron variant.
Genome position (GRCh38, 1-based): chr12:57,489,009, C>T. VCF-style: chr12-57489009-C-T. GRCh37 (hg19) VCF-style: chr12-57882792-C-T.
Identifiers: ClinVar variation 507930 (VCV000507930.12), dbSNP rs113549256, ClinGen allele CA6650048.